The following is an entry in ClinVar:

ClinVar aggregate classification (germline): Likely benign (1 of 4 stars; one submission).

gnomAD v4.1: 2 of 1,554,978 alleles (0.00013%); highest among the groups gnomAD compares: Non-Finnish European, 0.00017%; no homozygotes.

Submission:

CeGaT Center for Human Genetics Tuebingen
Classification: Likely benign. Last evaluated: 2024-10-01. Review status: criteria provided, single submitter. Criteria: CeGaT Center For Human Genetics Tuebingen Variant Classification Criteria Version 2. Collection method: clinical testing. Allele origin: germline. Affected: yes. Observed: 1 variant allele.
Comment: SLC6A3: BP4, BP7

NM_001044.5(SLC6A3):c.1224C>G (p.Ala408=)

Gene: SLC6A3 (solute carrier family 6 member 3). Cytogenetic location: 5p15.33.
Variant type: single nucleotide variant.
Coding change: c.1224C>G on transcript NM_001044.5 (MANE Select); coding-DNA position 1224, C replaced by G.
Protein change: p.Ala408=; no amino-acid change (alanine 408 retained).
Molecular consequence: synonymous variant.
Genome position (GRCh38, 1-based): chr5:1,411,288, G>C on the plus strand (C>G on the coding strand, the complement: SLC6A3 is on the minus strand). VCF-style: chr5-1411288-G-C. GRCh37 (hg19) VCF-style: chr5-1411403-G-C.
Identifiers: ClinVar variation 3389982 (VCV003389982.14).